The following is an entry in ClinVar:

ClinVar aggregate classification (germline): Likely pathogenic (1 of 4 stars; one submission).

Conditions:
Glutaric aciduria, type 1. Also called: Glutaricaciduria, type I; GA I; Glutaric acidemia type I; Glutaricacidemia Type 1; Glutaryl-CoA dehydrogenase deficiency; Glutaric Acidemia Type 1. Identifiers: Orphanet 25, MedGen C0268595, MONDO:0009281, OMIM 231670.

Submission:

Myriad Genetics, Inc.
Classification: Likely pathogenic for Glutaric aciduria, type 1. Last evaluated: 2020-02-15. Review status: criteria provided, single submitter. Criteria: Myriad Women's Health Autosomal Recessive and X-Linked Classification Criteria (2019). Collection method: clinical testing. Allele origin: unknown.
Comment: NM_000159.2(GCDH):c.907G>T(G303*) is expected to be pathogenic in the context of glutaric acidemia, GCDH-related. This variant is predicted to lead to an abnormal or absent protein product due to the creation of a premature termination codon in GCDH, a gene where loss-of-function variants are known to be pathogenic. Please note: this variant was assessed in the context of healthy population screening.

NM_000159.4(GCDH):c.907G>T (p.Gly303Ter)

Gene: GCDH (glutaryl-CoA dehydrogenase; plus strand). Cytogenetic location: 19p13.13.
Variant type: single nucleotide variant.
Coding change: c.907G>T on transcript NM_000159.4 (MANE Select); coding-DNA position 907, G replaced by T.
Protein change: p.Gly303Ter; replaces glycine 303 with a stop codon.
Molecular consequence: nonsense. On other transcripts: non-coding transcript variant (2).
Genome position (GRCh38, 1-based): chr19:12,896,964, G>T. VCF-style: chr19-12896964-G-T. GRCh37 (hg19) VCF-style: chr19-13007778-G-T.
Other names: c.907G>T, p.Gly303Ter (NM_013976.5); short protein forms G303*.
Identifiers: ClinVar variation 984313 (VCV000984313.3), dbSNP rs1970694961, ClinGen allele CA404319445.